The following is an entry in ClinVar:

NM_014727.3(KMT2B):c.4762G>C (p.Gly1588Arg)

Gene: KMT2B (lysine methyltransferase 2B; plus strand). Cytogenetic location: 19q13.12.
Variant type: single nucleotide variant.
Coding change: c.4762G>C on transcript NM_014727.3 (MANE Select); coding-DNA position 4762, G replaced by C.
Protein change: p.Gly1588Arg; replaces glycine 1588 with arginine.
Molecular consequence: missense variant.
Genome position (GRCh38, 1-based): chr19:35,729,059, G>C. VCF-style: chr19-35729059-G-C. GRCh37 (hg19) VCF-style: chr19-36219960-G-C.
Other names: short protein forms G1588R.
Identifiers: ClinVar variation 3012793 (VCV003012793.3), dbSNP rs1228449559, ClinGen allele CA405417142.

ClinVar aggregate classification (germline): Uncertain significance (1 of 4 stars; one submission).

Submission:

Labcorp Genetics (formerly Invitae), Labcorp
Classification: Uncertain significance. Last evaluated: 2025-09-17. Review status: criteria provided, single submitter. Criteria: Invitae Variant Classification Sherloc (09022015). Collection method: clinical testing. Allele origin: germline.
Comment: This sequence change replaces glycine, which is neutral and non-polar, with arginine, which is basic and polar, at codon 1588 of the KMT2B protein (p.Gly1588Arg). This variant is not present in population databases (gnomAD no frequency). This variant has not been reported in the literature in individuals affected with KMT2B-related conditions. ClinVar contains an entry for this variant (Variation ID: 3012793). Invitae Evidence Modeling of protein sequence and biophysical properties (such as structural, functional, and spatial information, amino acid conservation, physicochemical variation, residue mobility, and thermodynamic stability) has been performed for this missense variant. However, the output from this modeling did not meet the statistical confidence thresholds required to predict the impact of this variant on KMT2B protein function. In summary, the available evidence is currently insufficient to determine the role of this variant in disease. Therefore, it has been classified as a Variant of Uncertain Significance.